The following is an entry in ClinVar:

NM_000059.4(BRCA2):c.5996dup (p.Phe2000fs)

Gene: BRCA2 (BRCA2 DNA repair associated; plus strand). Cytogenetic location: 13q13.1.
Variant type: Duplication.
Coding change: c.5996dup on transcript NM_000059.4 (MANE Select); coding-DNA position 5996, one base duplicated (T; older notation c.5996dupT).
Protein change: p.Phe2000fs; shifts the reading frame from phenylalanine 2000.
Molecular consequence: frameshift variant.
Genome position (GRCh38, 1-based): chr13:32,340,351, T duplicated. VCF-style (leftmost placement, unchanged base first): chr13-32340350-G-GT. GRCh37 (hg19) VCF-style: chr13-32914487-G-GT.
Other names: c.5996dupT (NM_000059.3); short protein forms F2000fs.
Identifiers: ClinVar variation 548335 (VCV000548335.3), dbSNP rs1555284495, ClinGen allele CA645372974.

ClinVar aggregate classification (germline): Pathogenic. Review status: reviewed by expert panel (3 of 4 stars). 2 submissions from 2 submitters: Pathogenic (1). 1 of the submissions does not count toward it. Last evaluated 2017-12-15.

Conditions:
Hereditary breast ovarian cancer syndrome. Also called: Hereditary breast and ovarian cancer; Hereditary breast and/or ovarian cancer syndrome; Hereditary breast and ovarian cancer syndrome (HBOC); Breast and ovarian cancer; BRCA1- and BRCA2-Associated Hereditary Breast and Ovarian Cancer; Hereditary breast and ovarian cancer syndrome. Identifiers: Orphanet 145, MedGen C0677776, MeSH D061325, MONDO:0003582. Disease mechanism: loss of function.
Breast-ovarian cancer, familial, susceptibility to, 2 (BROVCA2). Also called: BRCA2 Hereditary Breast and Ovarian Cancer. Identifiers: Orphanet 145, MedGen C2675520, MONDO:0012933, OMIM 612555. Disease mechanism: loss of function.

Submissions (2):

Evidence-based Network for the Interpretation of Germline Mutant Alleles (ENIGMA)
Classification: Pathogenic for Breast-ovarian cancer, familial, susceptibility to, 2. Last evaluated: 2017-12-15. Review status: reviewed by expert panel. Criteria: ENIGMA BRCA1/2 Classification Criteria (2017-06-29). Collection method: curation. Allele origin: germline. Study: ENIGMA.
Comment: Variant allele predicted to encode a truncated non-functional protein.

Research Molecular Genetics Laboratory, Women's College Hospital, University of Toronto
Classification: Pathogenic for Hereditary breast ovarian cancer syndrome. Last evaluated: 2014-01-31. Review status: no assertion criteria provided. Collection method: research. Allele origin: germline. Affected: yes. Study: The Canadian Open Genetics Repository (COGR). Not counted in ClinVar's aggregate classification.